The following is an entry in ClinVar:

ClinVar aggregate classification (germline): Uncertain significance (1 of 4 stars; one submission).

Submission:

CeGaT Center for Human Genetics Tuebingen
Classification: Uncertain significance. Last evaluated: 2022-07-01. Review status: criteria provided, single submitter. Criteria: CeGaT Center For Human Genetics Tuebingen Variant Classification Criteria Version 2. Collection method: clinical testing. Allele origin: germline. Affected: yes. Observed: 1 variant allele.
Comment: AUTS2: PM2, PP2

NM_015570.4(AUTS2):c.92G>T (p.Gly31Val)

Genes: AUTS2 (activator of transcription and developmental regulator AUTS2; plus strand), LOC129998550 (ATAC-STARR-seq lymphoblastoid silent region 18224; plus strand). Cytogenetic location: 7q11.22.
Variant type: single nucleotide variant.
Coding change: c.92G>T on transcript NM_015570.4 (MANE Select); coding-DNA position 92, G replaced by T.
Protein change: p.Gly31Val; replaces glycine 31 with valine.
Molecular consequence: missense variant.
Genome position (GRCh38, 1-based): chr7:69,599,745, G>T. VCF-style: chr7-69599745-G-T. GRCh37 (hg19) VCF-style: chr7-69064731-G-T.
Other names: c.92G>T, p.Gly31Val (NM_001127231.3, NM_001127232.3); short protein forms G31V.
Identifiers: ClinVar variation 1701526 (VCV001701526.31), dbSNP rs2129067368, ClinGen allele CA367702847.
Genomic context (GRCh38, chr7:69,599,745, plus strand): 5'-GCAAAAAGCGGCGGTCGCGGTCGCAGCGAGACCGGGAGAGGCGCTCCCGGGGCGGGCTGG[G>T]GGCCGGCGCGGCCGGCGGCGGCGGGGCTGGCCGGACCCGGGCGCTCTCACTCGCCTCGTC-3'
Protein context (NP_056385.1, residues 21-41): DRERRSRGGL[Gly31Val]AGAAGGGGAG